The following is an entry in ClinVar:

NM_032119.4(ADGRV1):c.12974A>C (p.Glu4325Ala)

Gene: ADGRV1 (adhesion G protein-coupled receptor V1; plus strand). Cytogenetic location: 5q14.3.
Variant type: single nucleotide variant.
Coding change: c.12974A>C on transcript NM_032119.4 (MANE Select); coding-DNA position 12974, A replaced by C.
Protein change: p.Glu4325Ala; replaces glutamic acid 4325 with alanine.
Molecular consequence: missense variant. On other transcripts: non-coding transcript variant (1).
Genome position (GRCh38, 1-based): chr5:90,778,989, A>C. VCF-style: chr5-90778989-A-C. GRCh37 (hg19) VCF-style: chr5-90074806-A-C.
Other names: short protein forms E4325A.
Identifiers: ClinVar variation 1712861 (VCV001712861.2), dbSNP rs2531875909, ClinGen allele CA360389707.

ClinVar aggregate classification (germline): Uncertain significance (1 of 4 stars; one submission).

Allele frequency attached by ClinVar (database versions not stated): gnomAD exomes below 0.00001.
gnomAD v4.1: 1 of 1,613,386 alleles (0.000062%); highest among the groups gnomAD compares: Non-Finnish European, 0.000085%; no homozygotes.

Submission:

GeneDx
Classification: Uncertain significance. Last evaluated: 2022-04-27. Review status: criteria provided, single submitter. Criteria: GeneDx Variant Classification Process June 2021. Collection method: clinical testing. Allele origin: germline. Affected: yes.
Comment: Not observed at significant frequency in large population cohorts (gnomAD); In silico analysis supports that this missense variant does not alter protein structure/function; Has not been previously published as pathogenic or benign to our knowledge